The following is an entry in ClinVar:

NM_000059.4(BRCA2):c.983C>G (p.Thr328Ser)

Gene: BRCA2 (BRCA2 DNA repair associated; plus strand). Cytogenetic location: 13q13.1.
Variant type: single nucleotide variant.
Coding change: c.983C>G on transcript NM_000059.4 (MANE Select); coding-DNA position 983, C replaced by G.
Protein change: p.Thr328Ser; replaces threonine 328 with serine.
Molecular consequence: missense variant.
Genome position (GRCh38, 1-based): chr13:32,332,461, C>G. VCF-style: chr13-32332461-C-G. GRCh37 (hg19) VCF-style: chr13-32906598-C-G.
Other names: c.983C>G, p.Thr328Ser (NM_001406719.1, NM_001406720.1, NM_001406721.1); short protein forms T328S.
Identifiers: ClinVar variation 2133320 (VCV002133320.6), dbSNP rs2137466544, ClinGen allele CA387760965.
Genomic context (GRCh38, chr13:32,332,461, plus strand): 5'-TTTCATTATGTTTTTCTAAATGTAGAACAAAAAATCTACAAAAAGTAAGAACTAGCAAGA[C>G]TAGGAAAAAAATTTTCCATGAAGCAAACGCTGATGAATGTGAAAAATCTAAAAACCAAGT-3'
Protein context (NP_000050.3, residues 318-338): KNLQKVRTSK[Thr328Ser]RKKIFHEANA

ClinVar aggregate classification (germline): Conflicting classifications of pathogenicity. Review status: criteria provided, conflicting classifications (1 of 4 stars). 2 submissions from 2 submitters: Uncertain significance (1); Likely benign (1). Last evaluated 2024-10-11.

Conditions:
Hereditary cancer-predisposing syndrome. Also called: Hereditary neoplastic syndrome; Hereditary Cancer Syndrome; Tumor predisposition; Neoplastic Syndromes, Hereditary. Identifiers: Orphanet 140162, MedGen C0027672, MeSH D009386, MONDO:0015356.
Hereditary breast ovarian cancer syndrome. Also called: Hereditary breast and ovarian cancer; Hereditary breast and/or ovarian cancer syndrome; Hereditary breast and ovarian cancer syndrome (HBOC); Breast and ovarian cancer; Hereditary breast and ovarian cancer syndrome; BRCA1- and BRCA2-Associated Hereditary Breast and Ovarian Cancer. Identifiers: Orphanet 145, MedGen C0677776, MeSH D061325, MONDO:0003582. Disease mechanism: loss of function.

Submissions (2):

Labcorp Genetics (formerly Invitae), Labcorp
Classification: Uncertain significance for Hereditary breast ovarian cancer syndrome. Last evaluated: 2024-10-11. Review status: criteria provided, single submitter. Criteria: Invitae Variant Classification Sherloc (09022015). Collection method: clinical testing. Allele origin: germline.
Comment: This sequence change replaces threonine, which is neutral and polar, with serine, which is neutral and polar, at codon 328 of the BRCA2 protein (p.Thr328Ser). This variant is not present in population databases (gnomAD no frequency). This variant has not been reported in the literature in individuals affected with BRCA2-related conditions. ClinVar contains an entry for this variant (Variation ID: 2133320). Invitae Evidence Modeling of protein sequence and biophysical properties (such as structural, functional, and spatial information, amino acid conservation, physicochemical variation, residue mobility, and thermodynamic stability) indicates that this missense variant is not expected to disrupt BRCA2 protein function with a negative predictive value of 95%. In summary, the available evidence is currently insufficient to determine the role of this variant in disease. Therefore, it has been classified as a Variant of Uncertain Significance.

University of Washington Department of Laboratory Medicine, University of Washington
Classification: Likely benign for Hereditary cancer-predisposing syndrome. Last evaluated: 2023-03-23. Review status: criteria provided, single submitter. Criteria: Dines et al. (Genet Med. 2020). Collection method: curation. Allele origin: germline.
Comment: Missense variant in a coldspot region where missense variants are very unlikely to be pathogenic (PMID:31911673).

BRCA2 exon 10 coldspot. Reclassification based on statistical prior probability.